The following is an entry in ClinVar:

ClinVar aggregate classification (germline): Uncertain significance (1 of 4 stars; one submission).

Conditions:
Keppen-Lubinsky syndrome (KPLBS). Identifiers: Orphanet 435628, MedGen C3279800, MONDO:0013572, OMIM 614098.

Submission:

Laboratorio de Genetica e Diagnostico Molecular, Hospital Israelita Albert Einstein
Classification: Uncertain significance for Keppen-Lubinsky syndrome. Last evaluated: 2022-03-22. Review status: criteria provided, single submitter. Criteria: ACMG Guidelines, 2015. Collection method: clinical testing. Allele origin: germline. Affected: yes. Observed: 1 variant allele.
Comment: ACMG classification criteria: PM2 moderated, PP2 supporting

NM_002240.5(KCNJ6):c.22A>G (p.Met8Val)

Gene: KCNJ6 (potassium inwardly rectifying channel subfamily J member 6; minus strand). Cytogenetic location: 21q22.13.
Variant type: single nucleotide variant.
Coding change: c.22A>G on transcript NM_002240.5 (MANE Select); coding-DNA position 22, A replaced by G.
Protein change: p.Met8Val; replaces methionine 8 with valine.
Molecular consequence: missense variant.
Genome position (GRCh38, 1-based): chr21:37,840,661, T>C on the plus strand (A>G on the coding strand, the complement: KCNJ6 is on the minus strand). VCF-style: chr21-37840661-T-C. GRCh37 (hg19) VCF-style: chr21-39212963-T-C.
Other names: short protein forms M8V.
Identifiers: ClinVar variation 2431874 (VCV002431874.1), dbSNP rs2518262794, ClinGen allele CA409969659.